The following is an entry in ClinVar:

NM_139321.3(ATRN):c.1159A>G (p.Asn387Asp)

Gene: ATRN (attractin; plus strand). Cytogenetic location: 20p13.
Variant type: single nucleotide variant.
Coding change: c.1159A>G on transcript NM_139321.3 (MANE Select); coding-DNA position 1159, A replaced by G.
Protein change: p.Asn387Asp; replaces asparagine 387 with aspartic acid.
Molecular consequence: missense variant.
Genome position (GRCh38, 1-based): chr20:3,559,439, A>G. VCF-style: chr20-3559439-A-G. GRCh37 (hg19) VCF-style: chr20-3540086-A-G.
Other names: c.811A>G, p.Asn271Asp (NM_001207047.3); c.1159A>G, p.Asn387Asp (NM_001323332.2, NM_139322.4); c.1159A>G (NM_139321.2); short protein forms N271D, N387D.
Identifiers: ClinVar variation 2041372 (VCV002041372.6), dbSNP rs531512993, ClinGen allele CA9743989.

ClinVar aggregate classification (germline): Likely benign. Review status: criteria provided, single submitter (1 of 4 stars). 2 submissions from 2 submitters: Likely benign (1). 1 of the submissions does not count toward it. Last evaluated 2024-12-02.

Conditions:
ATRN-related disorder. Also called: ATRN-related condition.

Allele frequency attached by ClinVar (database versions not stated): gnomAD exomes 0.00033; 1000 Genomes Project 0.00080; TOPMed 0.00005; gnomAD 0.00017; ExAC 0.00072; 1000 Genomes Project 30x 0.00094.
gnomAD v4.1: 513 of 1,614,008 alleles (0.032%); highest among the groups gnomAD compares: South Asian, 0.44%; 5 homozygotes.

Submissions (2):

Labcorp Genetics (formerly Invitae), Labcorp
Classification: Likely benign. Last evaluated: 2024-12-02. Review status: criteria provided, single submitter. Criteria: Invitae Variant Classification Sherloc (09022015). Collection method: clinical testing. Allele origin: germline.

PreventionGenetics, part of Exact Sciences
Classification: Likely benign for ATRN-related condition. Last evaluated: 2023-12-17. Review status: no assertion criteria provided. Collection method: clinical testing. Allele origin: germline. Not counted in ClinVar's aggregate classification.
Comment: This variant is classified as likely benign based on ACMG/AMP sequence variant interpretation guidelines (Richards et al. 2015 PMID: 25741868, with internal and published modifications).